The following is an entry in ClinVar:

NM_000168.6(GLI3):c.3180C>A (p.Phe1060Leu)

Gene: GLI3 (GLI family zinc finger 3; minus strand). Cytogenetic location: 7p14.1.
Variant type: single nucleotide variant.
Coding change: c.3180C>A on transcript NM_000168.6 (MANE Select); coding-DNA position 3180, C replaced by A.
Protein change: p.Phe1060Leu; replaces phenylalanine 1060 with leucine.
Molecular consequence: missense variant.
Genome position (GRCh38, 1-based): chr7:41,965,893, G>T on the plus strand (C>A on the coding strand, the complement: GLI3 is on the minus strand). VCF-style: chr7-41965893-G-T. GRCh37 (hg19) VCF-style: chr7-42005491-G-T.
Other names: short protein forms F1060L.
Identifiers: ClinVar variation 4881327 (VCV004881327.2).

ClinVar aggregate classification (germline): Uncertain significance (1 of 4 stars; one submission).

Submission:

Dasa
Classification: Uncertain significance. Last evaluated: 2025-02-10. Review status: criteria provided, single submitter. Criteria: DASA Assertion Criteria. Collection method: clinical testing. Allele origin: germline.
Comment: NM_000168.6(GLI3):c.3180C>A (p.Phe1060Leu) is a missense variant that results in the substitution of phenylalanine with leucine. This variant is absent from population databases. Computational prediction algorithms are consistent with a benign effect. The currently available literature and clinical evidence are not sufficient to establish a definitive association between this variant and the reported condition. Therefore, this variant is classified as a variant of uncertain significance.